The following is an entry in ClinVar:

ClinVar aggregate classification (germline): Uncertain significance (1 of 4 stars; one submission).

Conditions:
Hereditary pancreatitis (PCTT). Also called: Hereditary chronic pancreatitis; PRSS1-Related Hereditary Pancreatitis. Identifiers: Orphanet 676, MedGen C0238339, MONDO:0008185, OMIM 167800.

Submission:

Ambry Genetics
Classification: Uncertain significance for Hereditary pancreatitis. Last evaluated: 2026-06-13. Review status: criteria provided, single submitter. Criteria: Ambry Variant Classification Scheme 2023. Collection method: clinical testing. Allele origin: germline.
Comment: The p.G242V variant (also known as c.725G>T), located in coding exon 7 of the CTRC gene, results from a G to T substitution at nucleotide position 725. The glycine at codon 242 is replaced by valine, an amino acid with dissimilar properties. This amino acid position is conserved. In addition, the in silico prediction for this alteration is inconclusive. Based on the available evidence, the clinical significance of this variant remains unclear.

NM_007272.3(CTRC):c.725G>T (p.Gly242Val)

Gene: CTRC (chymotrypsin C; plus strand). Cytogenetic location: 1p36.21.
Variant type: single nucleotide variant.
Coding change: c.725G>T on transcript NM_007272.3 (MANE Select); coding-DNA position 725, G replaced by T.
Protein change: p.Gly242Val; replaces glycine 242 with valine.
Molecular consequence: missense variant.
Genome position (GRCh38, 1-based): chr1:15,445,682, G>T. VCF-style: chr1-15445682-G-T. GRCh37 (hg19) VCF-style: chr1-15772177-G-T.
Other names: short protein forms G242V.
Identifiers: ClinVar variation 4869540 (VCV004869540.1).